The following is an entry in ClinVar:

ClinVar aggregate classification (germline): Uncertain significance (1 of 4 stars; one submission).

gnomAD v4.1: 1 of 1,612,112 alleles (0.000062%); highest among the groups gnomAD compares: Non-Finnish European, 0.000085%; no homozygotes.

Submission:

Ambry Genetics
Classification: Uncertain significance. Last evaluated: 2025-08-09. Review status: criteria provided, single submitter. Criteria: Ambry Variant Classification Scheme 2023. Collection method: clinical testing. Allele origin: germline.
Comment: The p.C50R variant (also known as c.148T>C), located in coding exon 2 of the SRP72 gene, results from a T to C substitution at nucleotide position 148. The cysteine at codon 50 is replaced by arginine, an amino acid with highly dissimilar properties. This amino acid position is conserved. In addition, this alteration is predicted to be deleterious by in silico analysis. Based on the available evidence, the clinical significance of this variant remains unclear.

NM_006947.4(SRP72):c.148T>C (p.Cys50Arg)

Gene: SRP72 (signal recognition particle 72; plus strand). Cytogenetic location: 4q12.
Variant type: single nucleotide variant.
Coding change: c.148T>C on transcript NM_006947.4 (MANE Select); coding-DNA position 148, T replaced by C.
Protein change: p.Cys50Arg; replaces cysteine 50 with arginine.
Molecular consequence: missense variant. On other transcripts: non-coding transcript variant (1).
Genome position (GRCh38, 1-based): chr4:56,469,691, T>C. VCF-style: chr4-56469691-T-C. GRCh37 (hg19) VCF-style: chr4-57335857-T-C.
Other names: c.148T>C, p.Cys50Arg (NM_001267722.2); short protein forms C50R.
Identifiers: ClinVar variation 4174961 (VCV004174961.1).